The following is an entry in ClinVar:

ClinVar aggregate classification (germline): Uncertain significance. Review status: criteria provided, multiple submitters, no conflicts (2 of 4 stars). 3 submissions from 3 submitters: Uncertain significance (3). Last evaluated 2026-02-12.

Conditions:
SPG11-related disorder. Also called: SPG11-related condition.
Hereditary spastic paraplegia 11. Also called: Nakamura Osame syndrome; Autosomal recessive hereditary spastic paraplegia, mental impairment, and thin corpus callosum; Spastic paraplegia, mental retardation and thin corpus callosum; SPASTIC PARAPLEGIA, AUTOSOMAL RECESSIVE, COMPLICATED, WITH THIN CORPUS CALLOSUM; SPASTIC PARAPLEGIA, AUTOSOMAL RECESSIVE, WITH MENTAL IMPAIRMENT AND THIN CORPUS CALLOSUM; Spastic Paraplegia 11. Identifiers: Orphanet 2822, MedGen C1858479, MONDO:0011445, OMIM 604360.

Allele frequency attached by ClinVar (database versions not stated): gnomAD 0.00001; gnomAD exomes 0.00001 and 0.00003; ExAC 0.00002; TOPMed 0.00002.

Submissions (3):

PreventionGenetics, part of Exact Sciences
Classification: Uncertain significance for SPG11-related condition. Last evaluated: 2026-02-12. Review status: criteria provided, single submitter. Criteria: ACMG Guidelines, 2015. Collection method: clinical testing. Allele origin: germline.
Comment: The SPG11 c.3265A>G variant is predicted to result in the amino acid substitution p.Met1089Val. To our knowledge, this variant has not been reported in the literature. This variant is reported in 0.0040% of alleles in individuals of African descent in gnomAD. At this time, the clinical significance of this variant is uncertain due to the absence of conclusive functional and genetic evidence.

Labcorp Genetics (formerly Invitae), Labcorp
Classification: Uncertain significance for Hereditary spastic paraplegia 11. Last evaluated: 2025-10-02. Review status: criteria provided, single submitter. Criteria: Invitae Variant Classification Sherloc (09022015). Collection method: clinical testing. Allele origin: germline.
Comment: This sequence change replaces methionine, which is neutral and non-polar, with valine, which is neutral and non-polar, at codon 1089 of the SPG11 protein (p.Met1089Val). This variant is present in population databases (rs766016524, gnomAD 0.004%). This variant has not been reported in the literature in individuals affected with SPG11-related conditions. ClinVar contains an entry for this variant (Variation ID: 1490367). Invitae Evidence Modeling of protein sequence and biophysical properties (such as structural, functional, and spatial information, amino acid conservation, physicochemical variation, residue mobility, and thermodynamic stability) indicates that this missense variant is not expected to disrupt SPG11 protein function with a negative predictive value of 80%. In summary, the available evidence is currently insufficient to determine the role of this variant in disease. Therefore, it has been classified as a Variant of Uncertain Significance.

GeneDx
Classification: Uncertain significance. Last evaluated: 2025-07-10. Review status: criteria provided, single submitter. Criteria: GeneDx Variant Classification Process June 2021. Collection method: clinical testing. Allele origin: germline.
Comment: Reported in a patient with ALS; however, no further clinical or segregation information was provided (PMID: 29525178); Not observed at significant frequency in large population cohorts (gnomAD); In silico analysis suggests that this missense variant does not alter protein structure/function; This variant is associated with the following publications: (PMID: 29525178)

NM_025137.4(SPG11):c.3265A>G (p.Met1089Val)

Gene: SPG11 (SPG11 vesicle trafficking associated, spatacsin; minus strand). Cytogenetic location: 15q21.1.
Variant type: single nucleotide variant.
Coding change: c.3265A>G on transcript NM_025137.4 (MANE Select); coding-DNA position 3265, A replaced by G.
Protein change: p.Met1089Val; replaces methionine 1089 with valine.
Molecular consequence: missense variant.
Genome position (GRCh38, 1-based): chr15:44,610,866, T>C on the plus strand (A>G on the coding strand, the complement: SPG11 is on the minus strand). VCF-style: chr15-44610866-T-C. GRCh37 (hg19) VCF-style: chr15-44903064-T-C.
Other names: c.3265A>G, p.Met1089Val (NM_001160227.2); c.3265A>G (NM_025137.3); short protein forms M1089V.
Identifiers: ClinVar variation 1490367 (VCV001490367.7), dbSNP rs766016524, ClinGen allele CA7535022.
Genomic context (GRCh38, chr15:44,610,866, plus strand): 5'-TCAGTCCTATTTTGTCATAAAGTGCTATCCATACCTGACTGACACCCCCAGGAGAATACA[T>C]TGTAGTAGCAAGGGCCAGGAGGGTATGTCCTTCCAATAGCATACTGCTTACACTGGCCTG-3'
Protein context (NP_079413.3, residues 1079-1099): GHTLLALATT[Met1089Val]YSPGGVSQVV